The following is an entry in ClinVar:

ClinVar aggregate classification (germline): Likely benign (1 of 4 stars; one submission).

Conditions:
Junctional epidermolysis bullosa. Identifiers: Orphanet 305, MedGen C0079301, MONDO:0017612.

Allele frequency attached by ClinVar (database versions not stated): 1000 Genomes Project 0.00080; 1000 Genomes Project 30x 0.00062; TOPMed 0.00173.

Submission:

Illumina Laboratory Services, Illumina
Classification: Likely benign for Junctional epidermolysis bullosa. Last evaluated: 2018-01-13. Review status: criteria provided, single submitter. Criteria: ICSL Variant Classification Criteria 13 December 2019. Collection method: clinical testing. Allele origin: germline.
Comment: This variant was observed in the ICSL laboratory as part of a predisposition screen in an ostensibly healthy population. It had not been previously curated by ICSL or reported in the Human Gene Mutation Database (HGMD: prior to June 1st, 2018), and was therefore a candidate for classification through an automated scoring system. Utilizing variant allele frequency, disease prevalence and penetrance estimates, and inheritance mode, an automated score was calculated to assess if this variant is too frequent to cause the disease. Based on the score and internal cut-off values, a variant classified as likely benign is not then subjected to further curation. The score for this variant resulted in a classification of likely benign for this disease.

NM_005562.3(LAMC2):c.*1324C>T

Gene: LAMC2 (laminin subunit gamma 2; plus strand). Cytogenetic location: 1q25.3.
Variant type: single nucleotide variant.
Coding change: c.*1324C>T on transcript NM_005562.3 (MANE Select); 1324 bases downstream of the stop codon, C replaced by T.
Molecular consequence: 3 prime UTR variant.
Genome position (GRCh38, 1-based): chr1:183,244,724, C>T. VCF-style: chr1-183244724-C-T. GRCh37 (hg19) VCF-style: chr1-183213859-C-T.
Identifiers: ClinVar variation 294052 (VCV000294052.5), dbSNP rs183760448, ClinGen allele CA10608440.